The following is an entry in ClinVar:

NM_000051.4(ATM):c.6064G>A (p.Gly2022Ser)

Genes: ATM (ATM serine/threonine kinase; plus strand), C11orf65 (chromosome 11 open reading frame 65; minus strand). Cytogenetic location: 11q22.3.
Variant type: single nucleotide variant.
Coding change: c.6064G>A on transcript NM_000051.4 (MANE Select); coding-DNA position 6064, G replaced by A.
Protein change: p.Gly2022Ser; replaces glycine 2022 with serine.
Molecular consequence: missense variant. On other transcripts: intron variant (2).
Genome position (GRCh38, 1-based): chr11:108,315,880, G>A. VCF-style: chr11-108315880-G-A. GRCh37 (hg19) VCF-style: chr11-108186607-G-A.
Other names: c.6064G>A, p.Gly2022Ser (NM_001351834.2); c.641-6809C>T (NM_001330368.2); c.*39-6809C>T (NM_001351110.2); short protein forms G2022S.
Identifiers: ClinVar variation 941404 (VCV000941404.13), dbSNP rs35991214, ClinGen allele CA228401249.

ClinVar aggregate classification (germline): Uncertain significance. Review status: criteria provided, multiple submitters, no conflicts (2 of 4 stars). 3 submissions from 3 submitters: Uncertain significance (3). Last evaluated 2025-07-01.

Conditions:
Hereditary cancer-predisposing syndrome. Also called: Tumor predisposition; Neoplastic Syndromes, Hereditary; Hereditary neoplastic syndrome; Hereditary Cancer Syndrome. Identifiers: Orphanet 140162, MedGen C0027672, MeSH D009386, MONDO:0015356.
Familial cancer of breast. Also called: Hereditary breast cancer; hereditary breast carcinoma; BREAST CANCER, FAMILIAL. Identifiers: Orphanet 227535, MedGen C0346153, MONDO:0016419, OMIM 114480. Disease mechanism: loss of function.
Ataxia-telangiectasia syndrome (AT). Also called: Ataxia-telangiectasia, complementation group D; AT, COMPLEMENTATION GROUP C; ATAXIA-TELANGIECTASIA, COMPLEMENTATION GROUP A; ATAXIA-TELANGIECTASIA, FRESNO VARIANT; Ataxia-telangiectasia; Ataxia telangiectasia (A-T). Identifiers: Orphanet 100, MedGen C0004135, MONDO:0008840, OMIM 208900.

Allele frequency attached by ClinVar (database versions not stated): gnomAD exomes 0.00001 and below 0.00001.
gnomAD v4.1: 1 of 1,612,994 alleles (0.000062%); highest among the groups gnomAD compares: Non-Finnish European, 0.000085%; no homozygotes.

Submissions (3):

Ambry Genetics
Classification: Uncertain significance for Hereditary cancer-predisposing syndrome. Last evaluated: 2025-07-01. Review status: criteria provided, single submitter. Criteria: Ambry Variant Classification Scheme 2023. Collection method: clinical testing. Allele origin: germline.
Comment: The p.G2022S variant (also known as c.6064G>A), located in coding exon 40 of the ATM gene, results from a G to A substitution at nucleotide position 6064. The glycine at codon 2022 is replaced by serine, an amino acid with similar properties. This amino acid position is highly conserved in available vertebrate species. In addition, the in silico prediction for this alteration is inconclusive. Since supporting evidence is limited at this time, the clinical significance of this alteration remains unclear.

Baylor Genetics
Classification: Uncertain significance for Familial cancer of breast. Last evaluated: 2023-11-27. Review status: criteria provided, single submitter. Criteria: ACMG Guidelines, 2015. Collection method: clinical testing. Allele origin: unknown.

Labcorp Genetics (formerly Invitae), Labcorp
Classification: Uncertain significance for Ataxia-telangiectasia syndrome. Last evaluated: 2022-09-27. Review status: criteria provided, single submitter. Criteria: Invitae Variant Classification Sherloc (09022015). Collection method: clinical testing. Allele origin: germline.
Comment: This sequence change replaces glycine, which is neutral and non-polar, with serine, which is neutral and polar, at codon 2022 of the ATM protein (p.Gly2022Ser). This variant is present in population databases (rs35991214, gnomAD 0.002%). This variant has not been reported in the literature in individuals affected with ATM-related conditions. ClinVar contains an entry for this variant (Variation ID: 941404). Algorithms developed to predict the effect of missense changes on protein structure and function (SIFT, PolyPhen-2, Align-GVGD) all suggest that this variant is likely to be disruptive. Algorithms developed to predict the effect of sequence changes on RNA splicing suggest that this variant may create or strengthen a splice site. In summary, the available evidence is currently insufficient to determine the role of this variant in disease. Therefore, it has been classified as a Variant of Uncertain Significance.